The following is an entry in ClinVar:

NM_000059.4(BRCA2):c.4112dup (p.Phe1372fs)

Gene: BRCA2 (BRCA2 DNA repair associated; plus strand). Cytogenetic location: 13q13.1.
Variant type: Duplication.
Coding change: c.4112dup on transcript NM_000059.4 (MANE Select); coding-DNA position 4112, one base duplicated (A; older notation c.4112dupA).
Protein change: p.Phe1372fs; shifts the reading frame from phenylalanine 1372.
Molecular consequence: frameshift variant.
Genome position (GRCh38, 1-based): chr13:32,338,467, A duplicated. VCF-style (leftmost placement, unchanged base first): chr13-32338466-C-CA. GRCh37 (hg19) VCF-style: chr13-32912603-C-CA.
Other names: c.4112dupA (NM_000059.3); short protein forms F1372fs.
Identifiers: ClinVar variation 182313 (VCV000182313.23), dbSNP rs730881606, ClinGen allele CA019549.

ClinVar aggregate classification (germline): Pathogenic. Review status: reviewed by expert panel (3 of 4 stars). 7 submissions from 7 submitters: Pathogenic (1). 6 of the submissions do not count toward it. Last evaluated 2016-09-08.

Conditions:
Hereditary cancer-predisposing syndrome. Also called: Tumor predisposition; Hereditary Cancer Syndrome; Hereditary neoplastic syndrome; Neoplastic Syndromes, Hereditary. Identifiers: Orphanet 140162, MedGen C0027672, MeSH D009386, MONDO:0015356.
Hereditary breast ovarian cancer syndrome. Also called: Breast and ovarian cancer; Hereditary breast and ovarian cancer syndrome; Hereditary breast and ovarian cancer; BRCA1- and BRCA2-Associated Hereditary Breast and Ovarian Cancer; Hereditary breast and ovarian cancer syndrome (HBOC); Hereditary breast and/or ovarian cancer syndrome. Identifiers: Orphanet 145, MedGen C0677776, MeSH D061325, MONDO:0003582. Disease mechanism: loss of function.
Breast-ovarian cancer, familial, susceptibility to, 2 (BROVCA2). Also called: BRCA2 Hereditary Breast and Ovarian Cancer. Identifiers: Orphanet 145, MedGen C2675520, MONDO:0012933, OMIM 612555. Disease mechanism: loss of function.

Submissions (7):

Evidence-based Network for the Interpretation of Germline Mutant Alleles (ENIGMA)
Classification: Pathogenic for Breast-ovarian cancer, familial, susceptibility to, 2. Last evaluated: 2016-09-08. Review status: reviewed by expert panel. Criteria: ENIGMA BRCA1/2 Classification Criteria (2015). Collection method: curation. Allele origin: germline.
Comment: Variant allele predicted to encode a truncated non-functional protein.

Ambry Genetics
Classification: Pathogenic for Hereditary cancer-predisposing syndrome. Last evaluated: 2025-07-07. Review status: criteria provided, single submitter. Criteria: Ambry Variant Classification Scheme 2023. Collection method: clinical testing. Allele origin: germline. Not counted in ClinVar's aggregate classification.
Comment: The c.4112dupA pathogenic mutation, located in coding exon 10 of the BRCA2 gene, results from a duplication of A at nucleotide position 4112, causing a translational frameshift with a predicted alternate stop codon (p.F1372Vfs*10). This alteration is expected to result in loss of function by premature protein truncation or nonsense-mediated mRNA decay. As such, this alteration is interpreted as a disease-causing mutation.

GeneDx
Classification: Pathogenic. Last evaluated: 2024-04-28. Review status: criteria provided, single submitter. Criteria: GeneDx Variant Classification Process June 2021. Collection method: clinical testing. Allele origin: germline. Affected: yes. Not counted in ClinVar's aggregate classification.
Comment: Frameshift variant predicted to result in protein truncation or nonsense mediated decay in a gene for which loss of function is a known mechanism of disease; Not observed at significant frequency in large population cohorts (gnomAD); Truncating variants in this gene are considered pathogenic by a well-established clinical consortium and/or database; Has not been previously published as pathogenic or benign to our knowledge; Also known as 4340dup; This variant is associated with the following publications: (PMID: 20104584)

Revvity Omics, Revvity
Classification: Likely pathogenic. Last evaluated: 2022-09-01. Review status: criteria provided, single submitter. Criteria: ACMG Guidelines, 2015. Collection method: clinical testing. Allele origin: germline. Not counted in ClinVar's aggregate classification.

Color Diagnostics, LLC DBA Color Health
Classification: Pathogenic for Hereditary cancer-predisposing syndrome. Last evaluated: 2022-01-27. Review status: criteria provided, single submitter. Criteria: ACMG Guidelines, 2015. Collection method: clinical testing. Allele origin: germline. Not counted in ClinVar's aggregate classification.
Comment: This variant inserts 1 nucleotide in exon 11 of the BRCA2 gene, creating a frameshift and premature translation stop signal. This variant is expected to result in an absent or non-functional protein product. To our knowledge, this variant has not been reported in individuals affected with hereditary cancer in the literature. This variant has not been identified in the general population by the Genome Aggregation Database (gnomAD). Loss of BRCA2 function is a known mechanism of disease. Based on the available evidence, this variant is classified as Pathogenic.

Labcorp Genetics (formerly Invitae), Labcorp
Classification: Pathogenic for Hereditary breast ovarian cancer syndrome. Last evaluated: 2022-01-18. Review status: criteria provided, single submitter. Criteria: Invitae Variant Classification Sherloc (09022015). Collection method: clinical testing. Allele origin: germline. Not counted in ClinVar's aggregate classification.
Comment: This sequence change creates a premature translational stop signal (p.Phe1372Valfs*10) in the BRCA2 gene. It is expected to result in an absent or disrupted protein product. Loss-of-function variants in BRCA2 are known to be pathogenic (PMID: 20104584). This variant is not present in population databases (gnomAD no frequency). This variant has not been reported in the literature in individuals affected with BRCA2-related conditions. ClinVar contains an entry for this variant (Variation ID: 182313). For these reasons, this variant has been classified as Pathogenic.

Quest Diagnostics Nichols Institute San Juan Capistrano
Classification: Pathogenic. Last evaluated: 2018-10-11. Review status: criteria provided, single submitter. Criteria: Quest Diagnostics criteria. Collection method: clinical testing. Allele origin: germline. Not counted in ClinVar's aggregate classification.
Comment: The variant results in a shift of the reading frame, and is therefore predicted to significantly disrupt the protein structure. Found in at least one symptomatic patient and not found in general population data.

Literature cited by the submitters: PubMed 20104584 (cited by Labcorp Genetics (formerly Invitae), Labcorp).